The following is an entry in ClinVar:

ClinVar aggregate classification (germline): Uncertain significance (1 of 4 stars; one submission).

Conditions:
Developmental and epileptic encephalopathy 94 (DEE94). Also called: CHD2-Related Neurodevelopmental Disorders; Epileptic encephalopathy, childhood-onset. Identifiers: Orphanet 1942, Orphanet 2382, MedGen C3809278, MONDO:0014150, OMIM 615369.

Allele frequency attached by ClinVar (database versions not stated): TOPMed below 0.00001; gnomAD exomes 0.00001.
gnomAD v4.1: 3 of 1,613,838 alleles (0.00019%); highest among the groups gnomAD compares: Non-Finnish European, 0.00025%; no homozygotes.

Submission:

Labcorp Genetics (formerly Invitae), Labcorp
Classification: Uncertain significance for Developmental and epileptic encephalopathy 94. Last evaluated: 2022-06-15. Review status: criteria provided, single submitter. Criteria: Invitae Variant Classification Sherloc (09022015). Collection method: clinical testing. Allele origin: germline.
Comment: In summary, the available evidence is currently insufficient to determine the role of this variant in disease. Therefore, it has been classified as a Variant of Uncertain Significance. Advanced modeling of protein sequence and biophysical properties (such as structural, functional, and spatial information, amino acid conservation, physicochemical variation, residue mobility, and thermodynamic stability) performed at Invitae indicates that this missense variant is not expected to disrupt CHD2 protein function. This variant has not been reported in the literature in individuals affected with CHD2-related conditions. This variant is not present in population databases (gnomAD no frequency). This sequence change replaces asparagine, which is neutral and polar, with lysine, which is basic and polar, at codon 289 of the CHD2 protein (p.Asn289Lys).

NM_001271.4(CHD2):c.867T>G (p.Asn289Lys)

Gene: CHD2 (chromodomain helicase DNA binding protein 2; plus strand). Cytogenetic location: 15q26.1.
Variant type: single nucleotide variant.
Coding change: c.867T>G on transcript NM_001271.4 (MANE Select); coding-DNA position 867, T replaced by G.
Protein change: p.Asn289Lys; replaces asparagine 289 with lysine.
Molecular consequence: missense variant.
Genome position (GRCh38, 1-based): chr15:92,942,883, T>G. VCF-style: chr15-92942883-T-G. GRCh37 (hg19) VCF-style: chr15-93486113-T-G.
Other names: c.867T>G, p.Asn289Lys (NM_001042572.3); short protein forms N289K.
Identifiers: ClinVar variation 2161205 (VCV002161205.4), dbSNP rs779057167, ClinGen allele CA274871631.